The following is an entry in ClinVar:

ClinVar aggregate classification (germline): Benign (1 of 4 stars; one submission).

Conditions:
Weill-Marchesani 4 syndrome, recessive. Also called: Weill-Marchesani syndrome 4. Identifiers: Orphanet 363992, MedGen C2750787, MONDO:0013176, OMIM 613195.

Allele frequency attached by ClinVar (database versions not stated): gnomAD 0.01225 and 0.01313; TOPMed 0.01389; 1000 Genomes Project 0.01558; 1000 Genomes Project 30x 0.01655.

Submission:

Illumina Laboratory Services, Illumina
Classification: Benign for Weill-Marchesani 4 syndrome, recessive. Last evaluated: 2018-01-13. Review status: criteria provided, single submitter. Criteria: ICSL Variant Classification Criteria 13 December 2019. Collection method: clinical testing. Allele origin: germline.
Comment: This variant was observed in the ICSL laboratory as part of a predisposition screen in an ostensibly healthy population. It had not been previously curated by ICSL or reported in the Human Gene Mutation Database (HGMD: prior to June 1st, 2018), and was therefore a candidate for classification through an automated scoring system. Utilizing variant allele frequency, disease prevalence and penetrance estimates, and inheritance mode, an automated score was calculated to assess if this variant is too frequent to cause the disease. Based on the score and internal cut-off values, a variant classified as benign is not then subjected to further curation. The score for this variant resulted in a classification of benign for this disease.

NM_139057.4(ADAMTS17):c.*2079C>T

Gene: ADAMTS17 (ADAM metallopeptidase with thrombospondin type 1 motif 17; minus strand). Cytogenetic location: 15q26.3.
Variant type: single nucleotide variant.
Coding change: c.*2079C>T on transcript NM_139057.4 (MANE Select); 2079 bases downstream of the stop codon, C replaced by T.
Molecular consequence: 3 prime UTR variant.
Genome position (GRCh38, 1-based): chr15:99,972,323, G>A on the plus strand (C>T on the coding strand, the complement: ADAMTS17 is on the minus strand). VCF-style: chr15-99972323-G-A. GRCh37 (hg19) VCF-style: chr15-100512528-G-A.
Identifiers: ClinVar variation 315162 (VCV000315162.5), dbSNP rs75041141, ClinGen allele CA10646844.